The following is an entry in ClinVar:

NM_000129.4(F13A1):c.2046-2A>G

Gene: F13A1 (coagulation factor XIII A chain; minus strand). Cytogenetic location: 6p25.1.
Variant type: single nucleotide variant.
Coding change: c.2046-2A>G on transcript NM_000129.4 (MANE Select); the canonical splice acceptor site of the intron before coding-DNA position 2046, A replaced by G.
Molecular consequence: splice acceptor variant.
Genome position (GRCh38, 1-based): chr6:6,145,774, T>C on the plus strand (A>G on the coding strand, the complement: F13A1 is on the minus strand). VCF-style: chr6-6145774-T-C. GRCh37 (hg19) VCF-style: chr6-6146007-T-C.
Other names: p.?.
Identifiers: ClinVar variation 3380998 (VCV003380998.1).

ClinVar aggregate classification (germline): Likely pathogenic (1 of 4 stars; one submission).

gnomAD v4.1: 5 of 1,613,866 alleles (0.00031%); highest among the groups gnomAD compares: Non-Finnish European, 0.00042%; no homozygotes.

Submission:

Mayo Clinic Laboratories, Mayo Clinic
Classification: Likely pathogenic. Last evaluated: 2023-08-29. Review status: criteria provided, single submitter. Criteria: ACMG Guidelines, 2015. Collection method: clinical testing. Allele origin: germline. Observed: 1 variant allele.
Comment: PM2_moderate, PM3_supporting, PS4_moderate, PVS1_strong

Literature cited by the submitters: PubMed 17549292.